The following is an entry in ClinVar:

NM_001261826.3(AP3D1):c.913G>C (p.Val305Leu)

Gene: AP3D1 (adaptor related protein complex 3 subunit delta 1; minus strand). Cytogenetic location: 19p13.3.
Variant type: single nucleotide variant.
Coding change: c.913G>C on transcript NM_001261826.3 (MANE Select); coding-DNA position 913, G replaced by C.
Protein change: p.Val305Leu; replaces valine 305 with leucine.
Molecular consequence: missense variant.
Genome position (GRCh38, 1-based): chr19:2,123,400, C>G on the plus strand (G>C on the coding strand, the complement: AP3D1 is on the minus strand). VCF-style: chr19-2123400-C-G. GRCh37 (hg19) VCF-style: chr19-2123399-C-G.
Other names: c.913G>C, p.Val305Leu (NM_001374799.1, NM_003938.8); short protein forms V305L.
Identifiers: ClinVar variation 2996092 (VCV002996092.4), dbSNP rs1445097329, ClinGen allele CA403225502.

ClinVar aggregate classification (germline): Uncertain significance. Review status: criteria provided, multiple submitters, no conflicts (2 of 4 stars). 2 submissions from 2 submitters: Uncertain significance (2). Last evaluated 2024-04-15.

Allele frequency attached by ClinVar (database versions not stated): gnomAD 0.00001; gnomAD exomes 0.00001.
gnomAD v4.1: 23 of 1,613,832 alleles (0.0014%); highest among the groups gnomAD compares: Non-Finnish European, 0.0019%; no homozygotes.

Submissions (2):

Blueprint Genetics
Classification: Uncertain significance. Last evaluated: 2024-04-15. Review status: criteria provided, single submitter. Criteria: ACMG Guidelines, 2015. Collection method: clinical testing. Allele origin: germline.

Labcorp Genetics (formerly Invitae), Labcorp
Classification: Uncertain significance. Last evaluated: 2024-01-29. Review status: criteria provided, single submitter. Criteria: Invitae Variant Classification Sherloc (09022015). Collection method: clinical testing. Allele origin: germline.
Comment: This sequence change replaces valine, which is neutral and non-polar, with leucine, which is neutral and non-polar, at codon 305 of the AP3D1 protein (p.Val305Leu). This variant is present in population databases (no rsID available, gnomAD 0.002%). This variant has not been reported in the literature in individuals affected with AP3D1-related conditions. An algorithm developed to predict the effect of missense changes on protein structure and function (PolyPhen-2) suggests that this variant is likely to be disruptive. In summary, the available evidence is currently insufficient to determine the role of this variant in disease. Therefore, it has been classified as a Variant of Uncertain Significance.